The following is an entry in ClinVar:

NM_032620.4(GTPBP3):c.1424G>C (p.Gly475Ala)

Gene: GTPBP3 (GTP binding protein 3, mitochondrial; plus strand). Cytogenetic location: 19p13.11.
Variant type: single nucleotide variant.
Coding change: c.1424G>C on transcript NM_032620.4 (MANE Select); coding-DNA position 1424, G replaced by C.
Protein change: p.Gly475Ala; replaces glycine 475 with alanine.
Molecular consequence: missense variant.
Genome position (GRCh38, 1-based): chr19:17,341,648, G>C. VCF-style: chr19-17341648-G-C. GRCh37 (hg19) VCF-style: chr19-17452457-G-C.
Other names: c.1520G>C (NM_133644.3); c.1361G>C, p.Gly454Ala (NM_001128855.3); c.1490G>C, p.Gly497Ala (NM_001195422.1); c.1520G>C, p.Gly507Ala (NM_133644.4); short protein forms G497A, G454A, G475A, G507A.
Identifiers: ClinVar variation 1520589 (VCV001520589.9), dbSNP rs200086297, ClinGen allele CA9293733.

ClinVar aggregate classification (germline): Uncertain significance. Review status: criteria provided, multiple submitters, no conflicts (2 of 4 stars). 4 submissions from 4 submitters: Uncertain significance (4). Last evaluated 2025-08-29.

Conditions:
Inborn genetic diseases. Identifiers: MedGen C0950123, MeSH D030342.
Combined oxidative phosphorylation defect type 23. Also called: Combined oxidative phosphorylation deficiency 23. Identifiers: Orphanet 444013, MedGen C5567743, MONDO:0014525, OMIM 616198.

Allele frequency attached by ClinVar (database versions not stated): gnomAD exomes 0.00003 and 0.00006; ESP Exome Variant Server 0.00008; ExAC 0.00009; gnomAD 0.00024 and 0.00026; TOPMed 0.00028; 1000 Genomes Project 30x 0.00047; 1000 Genomes Project 0.00060.
gnomAD v4.1: 75 of 1,608,004 alleles (0.0047%); highest among the groups gnomAD compares: African/African-American, 0.084%; no homozygotes.

Submissions (4):

Ambry Genetics
Classification: Uncertain significance for Inborn genetic diseases. Last evaluated: 2025-08-29. Review status: criteria provided, single submitter. Criteria: Ambry Variant Classification Scheme 2023. Collection method: clinical testing. Allele origin: germline.

GeneDx
Classification: Uncertain significance. Last evaluated: 2024-08-20. Review status: criteria provided, single submitter. Criteria: GeneDx Variant Classification Process June 2021. Collection method: clinical testing. Allele origin: germline. Affected: yes.
Comment: In silico analysis indicates that this missense variant does not alter protein structure/function; Has not been previously published as pathogenic or benign to our knowledge

Labcorp Genetics (formerly Invitae), Labcorp
Classification: Uncertain significance. Last evaluated: 2023-12-11. Review status: criteria provided, single submitter. Criteria: Invitae Variant Classification Sherloc (09022015). Collection method: clinical testing. Allele origin: germline.
Comment: This sequence change replaces glycine, which is neutral and non-polar, with alanine, which is neutral and non-polar, at codon 507 of the GTPBP3 protein (p.Gly507Ala). This variant is present in population databases (rs200086297, gnomAD 0.06%). This variant has not been reported in the literature in individuals affected with GTPBP3-related conditions. ClinVar contains an entry for this variant (Variation ID: 1520589). Advanced modeling of protein sequence and biophysical properties (such as structural, functional, and spatial information, amino acid conservation, physicochemical variation, residue mobility, and thermodynamic stability) performed at Invitae indicates that this missense variant is not expected to disrupt GTPBP3 protein function with a negative predictive value of 80%. In summary, the available evidence is currently insufficient to determine the role of this variant in disease. Therefore, it has been classified as a Variant of Uncertain Significance.

Victorian Clinical Genetics Services, Murdoch Childrens Research Institute
Classification: Uncertain significance for Combined oxidative phosphorylation defect type 23. Last evaluated: 2020-10-19. Review status: criteria provided, single submitter. Criteria: ACMG Guidelines, 2015. Collection method: clinical testing. Allele origin: germline. Inheritance: Autosomal recessive inheritance.
Comment: Based on the classification scheme VCGS_Germline_v1.3.3, this variant is classified as 3B-VUS. Following criteria are met: 0102 - Loss of function is a known mechanism of disease in this gene and is associated with combined oxidative phosphorylation deficiency 23. (I) 0106 - This gene is associated with autosomal recessive disease. (I) 0200 - Variant is predicted to result in a missense amino acid change from glycine to alanine. (I) 0252 - This variant is homozygous. (I) 0304 - Variant is present in gnomAD (v3) <0.01 for a recessive condition (36 heterozygotes, 0 homozygotes). (SP) 0309 - An alternative amino acid change at the same position has been observed in gnomAD (v2) (1 heterozygote, 0 homozygotes). (I) 0503 - Missense variant consistently predicted to be tolerated by multiple in silico tools or not conserved in placental mammals with a minor amino acid change. (SB) 0600 - Variant is located in the annotated MnmE helical domain (PDB). (I) 0705 - No comparable missense variants have previous evidence for pathogenicity. (I) 0807 - This variant has no previous evidence of pathogenicity. (I) 0905 - No published segregation evidence has been identified for this variant. (I) 1007 - No published functional evidence has been identified for this variant. (I) 1208 - Inheritance information for this variant is not currently available in this individual. (I) Legend: (SP) - Supporting pathogenic, (I) - Information, (SB) - Supporting benign